The following is an entry in ClinVar:

NM_017636.4(TRPM4):c.2935C>T (p.Pro979Ser)

Gene: TRPM4 (transient receptor potential cation channel subfamily M member 4; plus strand). Cytogenetic location: 19q13.33.
Variant type: single nucleotide variant.
Coding change: c.2935C>T on transcript NM_017636.4 (MANE Select); coding-DNA position 2935, C replaced by T.
Protein change: p.Pro979Ser; replaces proline 979 with serine.
Molecular consequence: missense variant.
Genome position (GRCh38, 1-based): chr19:49,200,767, C>T. VCF-style: chr19-49200767-C-T. GRCh37 (hg19) VCF-style: chr19-49704024-C-T.
Other names: c.2500C>T, p.Pro834Ser (NM_001195227.2); c.2590C>T, p.Pro864Ser (NM_001321281.2); c.1327C>T, p.Pro443Ser (NM_001321282.2); c.2413C>T, p.Pro805Ser (NM_001321283.2); c.1873C>T, p.Pro625Ser (NM_001321285.2); short protein forms P443S, P625S, P805S, P834S, P864S, P979S.
Identifiers: ClinVar variation 4798077 (VCV004798077.1).
Genomic context (GRCh38, chr19:49,200,767, plus strand): 5'-TTCCCAAGTATCCTGCGCCGCGTCTTCTACCGTCCCTACCTGCAGATCTTCGGGCAGATT[C>T]CCCAGGAGGACATGGACGGTAGGGGGGATGACGGCCTGACAGCCTTCCTCTGAGTCTCTG-3'
Protein context (NP_060106.2, residues 969-989): RPYLQIFGQI[Pro979Ser]QEDMDVALME

ClinVar aggregate classification (germline): Uncertain significance (1 of 4 stars; one submission).

Conditions:
Progressive familial heart block type IB (PFHB1B). Identifiers: Orphanet 871, MedGen C1970298, MONDO:0011474, OMIM 604559.

gnomAD v4.1: 4 of 1,613,918 alleles (0.00025%); highest among the groups gnomAD compares: Non-Finnish European, 0.00034%; no homozygotes.

Submission:

Labcorp Genetics (formerly Invitae), Labcorp
Classification: Uncertain significance for Progressive familial heart block type IB. Last evaluated: 2025-08-09. Review status: criteria provided, single submitter. Criteria: Invitae Variant Classification Sherloc (09022015). Collection method: clinical testing. Allele origin: germline.
Comment: This sequence change replaces proline, which is neutral and non-polar, with serine, which is neutral and polar, at codon 979 of the TRPM4 protein (p.Pro979Ser). This variant is present in population databases (rs763361263, gnomAD 0.0009%). This variant has not been reported in the literature in individuals affected with TRPM4-related conditions. An algorithm developed to predict the effect of missense changes on protein structure and function (PolyPhen-2) suggests that this variant is likely to be disruptive. In summary, the available evidence is currently insufficient to determine the role of this variant in disease. Therefore, it has been classified as a Variant of Uncertain Significance.